The following is an entry in ClinVar:

ClinVar aggregate classification (germline): Uncertain significance (1 of 4 stars; one submission).

Allele frequency attached by ClinVar (database versions not stated): gnomAD exomes below 0.00001.
gnomAD v4.1: 2 of 1,614,018 alleles (0.00012%); highest among the groups gnomAD compares: Non-Finnish European, 0.00017%; no homozygotes.

Submission:

Labcorp Genetics (formerly Invitae), Labcorp
Classification: Uncertain significance. Last evaluated: 2022-07-09. Review status: criteria provided, single submitter. Criteria: Invitae Variant Classification Sherloc (09022015). Collection method: clinical testing. Allele origin: germline.
Comment: Advanced modeling of protein sequence and biophysical properties (such as structural, functional, and spatial information, amino acid conservation, physicochemical variation, residue mobility, and thermodynamic stability) performed at Invitae indicates that this missense variant is not expected to disrupt COL4A1 protein function. This sequence change replaces glutamine, which is neutral and polar, with arginine, which is basic and polar, at codon 57 of the COL4A1 protein (p.Gln57Arg). This variant is not present in population databases (gnomAD no frequency). This variant has not been reported in the literature in individuals affected with COL4A1-related conditions. In summary, the available evidence is currently insufficient to determine the role of this variant in disease. Therefore, it has been classified as a Variant of Uncertain Significance.

NM_001845.6(COL4A1):c.170A>G (p.Gln57Arg)

Gene: COL4A1 (collagen type IV alpha 1 chain; minus strand). Cytogenetic location: 13q34.
Variant type: single nucleotide variant.
Coding change: c.170A>G on transcript NM_001845.6 (MANE Select); coding-DNA position 170, A replaced by G.
Protein change: p.Gln57Arg; replaces glutamine 57 with arginine.
Molecular consequence: missense variant.
Genome position (GRCh38, 1-based): chr13:110,213,990, T>C on the plus strand (A>G on the coding strand, the complement: COL4A1 is on the minus strand). VCF-style: chr13-110213990-T-C. GRCh37 (hg19) VCF-style: chr13-110866337-T-C.
Other names: c.170A>G, p.Gln57Arg (NM_001303110.2); short protein forms Q57R.
Identifiers: ClinVar variation 1999823 (VCV001999823.4), dbSNP rs1566380137, ClinGen allele CA388727150.